The following is an entry in ClinVar:

ClinVar aggregate classification (germline): Uncertain significance. Review status: criteria provided, multiple submitters, no conflicts (2 of 4 stars). 7 submissions from 6 submitters: Uncertain significance (7). Last evaluated 2025-08-25.

Conditions:
USH2A-related disorder. Also called: USH2A-related condition; USH2A-related disorders. Identifiers: MedGen CN239332.
Usher syndrome type 2A. Also called: RETINAL DISEASE IN USHER SYNDROME TYPE IIA, MODIFIER OF; USHER SYNDROME, TYPE IIA. Identifiers: Orphanet 231178, Orphanet 886, MedGen C1848634, MONDO:0010169, OMIM 276901.
Retinitis pigmentosa 39 (RP39). Identifiers: Orphanet 791, MedGen C3151138, MONDO:0013436, OMIM 613809.
Inborn genetic diseases. Identifiers: MedGen C0950123, MeSH D030342.

Allele frequency attached by ClinVar (database versions not stated): ExAC 0.00002; gnomAD 0.00003; gnomAD exomes 0.00003; TOPMed 0.00003.
gnomAD v4.1: 25 of 1,613,582 alleles (0.0015%); highest among the groups gnomAD compares: Admixed American, 0.038%; no homozygotes.

Submissions (7):

PreventionGenetics, part of Exact Sciences
Classification: Uncertain significance for USH2A-related condition. Last evaluated: 2025-08-25. Review status: criteria provided, single submitter. Criteria: ACMG Guidelines, 2015. Collection method: clinical testing. Allele origin: germline.
Comment: The USH2A c.10993G>A variant is predicted to result in the amino acid substitution p.Gly3665Arg. To our knowledge, this variant has not been reported in the literature. This variant is reported in 0.051% of alleles in individuals of Latino descent in gnomAD, which may be too frequent to be a primary cause of disease. Although we suspect that this variant may be benign, at this time, the clinical significance of this variant is uncertain due to the absence of conclusive functional and genetic evidence.

Ambry Genetics
Classification: Uncertain significance for Inborn genetic diseases. Last evaluated: 2025-08-23. Review status: criteria provided, single submitter. Criteria: Ambry Variant Classification Scheme 2023. Collection method: clinical testing. Allele origin: germline.

Genome-Nilou Lab
Classification: Uncertain significance for Retinitis pigmentosa 39. Last evaluated: 2023-11-04. Review status: criteria provided, single submitter. Criteria: ACMG Guidelines, 2015. Collection method: clinical testing. Allele origin: germline. Affected: no.

Genome-Nilou Lab
Classification: Uncertain significance for Usher syndrome type 2A. Last evaluated: 2023-11-04. Review status: criteria provided, single submitter. Criteria: ACMG Guidelines, 2015. Collection method: clinical testing. Allele origin: germline. Affected: no.

Labcorp Genetics (formerly Invitae), Labcorp
Classification: Uncertain significance. Last evaluated: 2022-07-30. Review status: criteria provided, single submitter. Criteria: Invitae Variant Classification Sherloc (09022015). Collection method: clinical testing. Allele origin: germline.
Comment: This sequence change replaces glycine, which is neutral and non-polar, with arginine, which is basic and polar, at codon 3665 of the USH2A protein (p.Gly3665Arg). This variant is present in population databases (rs755205544, gnomAD 0.06%). This variant has not been reported in the literature in individuals affected with USH2A-related conditions. Algorithms developed to predict the effect of missense changes on protein structure and function are either unavailable or do not agree on the potential impact of this missense change (SIFT: "Deleterious"; PolyPhen-2: "Probably Damaging"; Align-GVGD: "Class C15"). Algorithms developed to predict the effect of sequence changes on RNA splicing suggest that this variant may create or strengthen a splice site. In summary, the available evidence is currently insufficient to determine the role of this variant in disease. Therefore, it has been classified as a Variant of Uncertain Significance.

Blueprint Genetics
Classification: Uncertain significance. Last evaluated: 2022-07-13. Review status: criteria provided, single submitter. Criteria: ACMG Guidelines, 2015. Collection method: clinical testing. Allele origin: germline.

GeneDx
Classification: Uncertain significance. Last evaluated: 2022-06-07. Review status: criteria provided, single submitter. Criteria: GeneDx Variant Classification Process June 2021. Collection method: clinical testing. Allele origin: germline. Affected: yes.
Comment: In silico analysis supports that this missense variant has a deleterious effect on protein structure/function; Has not been previously published as pathogenic or benign to our knowledge

NM_206933.4(USH2A):c.10993G>A (p.Gly3665Arg)

Gene: USH2A (usherin; minus strand). Cytogenetic location: 1q41.
Variant type: single nucleotide variant.
Coding change: c.10993G>A on transcript NM_206933.4 (MANE Select); coding-DNA position 10993, G replaced by A.
Protein change: p.Gly3665Arg; replaces glycine 3665 with arginine.
Molecular consequence: missense variant.
Genome position (GRCh38, 1-based): chr1:215,766,735, C>T on the plus strand (G>A on the coding strand, the complement: USH2A is on the minus strand). VCF-style: chr1-215766735-C-T. GRCh37 (hg19) VCF-style: chr1-215940077-C-T.
Other names: short protein forms G3665R.
Identifiers: ClinVar variation 1803607 (VCV001803607.7), dbSNP rs755205544, ClinGen allele CA1393858.